The following is an entry in ClinVar:

NM_001098511.3(KIF2A):c.457+4T>A

Gene: KIF2A (kinesin family member 2A; plus strand). Cytogenetic location: 5q12.1.
Variant type: single nucleotide variant.
Coding change: c.457+4T>A on transcript NM_001098511.3 (MANE Select); 4 bases into the intron after coding-DNA position 457, T replaced by A.
Molecular consequence: intron variant.
Genome position (GRCh38, 1-based): chr5:62,352,714, T>A. VCF-style: chr5-62352714-T-A. GRCh37 (hg19) VCF-style: chr5-61648541-T-A.
Other names: c.376+4T>A (NM_001243952.2); c.457+4T>A (NM_004520.5); c.400+61T>A (NM_001243953.2).
Identifiers: ClinVar variation 2697089 (VCV002697089.3), dbSNP rs2531331832, ClinGen allele CA2697547193.

ClinVar aggregate classification (germline): Uncertain significance (1 of 4 stars; one submission).

Submission:

Labcorp Genetics (formerly Invitae), Labcorp
Classification: Uncertain significance. Last evaluated: 2023-11-18. Review status: criteria provided, single submitter. Criteria: Invitae Variant Classification Sherloc (09022015). Collection method: clinical testing. Allele origin: germline.
Comment: This sequence change falls in intron 5 of the KIF2A gene. It does not directly change the encoded amino acid sequence of the KIF2A protein. It affects a nucleotide within the consensus splice site. This variant is not present in population databases (gnomAD no frequency). This variant has not been reported in the literature in individuals affected with KIF2A-related conditions. Variants that disrupt the consensus splice site are a relatively common cause of aberrant splicing (PMID: 17576681, 9536098). Algorithms developed to predict the effect of sequence changes on RNA splicing suggest that this variant is not likely to affect RNA splicing. In summary, the available evidence is currently insufficient to determine the role of this variant in disease. Therefore, it has been classified as a Variant of Uncertain Significance.

Literature cited by the submitters: PubMed 17576681; PubMed 9536098.